The following is an entry in ClinVar:

NM_138477.4(CDAN1):c.2804A>G (p.Glu935Gly)

Gene: CDAN1 (codanin 1; minus strand). Cytogenetic location: 15q15.2.
Variant type: single nucleotide variant.
Coding change: c.2804A>G on transcript NM_138477.4 (MANE Select); coding-DNA position 2804, A replaced by G.
Protein change: p.Glu935Gly; replaces glutamic acid 935 with glycine.
Molecular consequence: missense variant.
Genome position (GRCh38, 1-based): chr15:42,728,652, T>C on the plus strand (A>G on the coding strand, the complement: CDAN1 is on the minus strand). VCF-style: chr15-42728652-T-C. GRCh37 (hg19) VCF-style: chr15-43020850-T-C.
Other names: p.Glu935Gly; short protein forms E935G.
Identifiers: ClinVar variation 2912935 (VCV002912935.6), dbSNP rs371548844, ClinGen allele CA7515467.

ClinVar aggregate classification (germline): Uncertain significance. Review status: criteria provided, multiple submitters, no conflicts (2 of 4 stars). 5 submissions from 5 submitters: Uncertain significance (5). Last evaluated 2024-11-27.

Conditions:
Anemia, congenital dyserythropoietic, type 1a (CDAN1A). Also called: DYSERYTHROPOIETIC ANEMIA, CONGENITAL, TYPE Ia; CDAN1-Related Congenital Dyserythropoietic Anemia. Identifiers: MedGen C5574667, MONDO:0009135, OMIM 224120.

Allele frequency attached by ClinVar (database versions not stated): ExAC 0.00008; gnomAD exomes 0.00008; TOPMed 0.00012; ESP Exome Variant Server 0.00015; gnomAD 0.00015.
gnomAD v4.1: 134 of 1,613,668 alleles (0.0083%); highest among the groups gnomAD compares: Admixed American, 0.058%; no homozygotes.

Submissions (5):

Blueprint Genetics
Classification: Uncertain significance. Last evaluated: 2024-11-27. Review status: criteria provided, single submitter. Criteria: ACMG Guidelines, 2015. Collection method: clinical testing. Allele origin: germline.

Revvity Omics, Revvity
Classification: Uncertain significance for Anemia, congenital dyserythropoietic, type 1a. Last evaluated: 2024-04-11. Review status: criteria provided, single submitter. Criteria: ACMG Guidelines, 2015. Collection method: clinical testing. Allele origin: germline.

Mayo Clinic Laboratories, Mayo Clinic
Classification: Uncertain significance. Last evaluated: 2024-02-27. Review status: criteria provided, single submitter. Criteria: ACMG Guidelines, 2015. Collection method: clinical testing. Allele origin: germline. Observed: 1 variant allele.

Labcorp Genetics (formerly Invitae), Labcorp
Classification: Uncertain significance. Last evaluated: 2023-11-17. Review status: criteria provided, single submitter. Criteria: Invitae Variant Classification Sherloc (09022015). Collection method: clinical testing. Allele origin: germline.
Comment: This sequence change replaces glutamic acid, which is acidic and polar, with glycine, which is neutral and non-polar, at codon 935 of the CDAN1 protein (p.Glu935Gly). This variant is present in population databases (rs371548844, gnomAD 0.04%). This variant has not been reported in the literature in individuals affected with CDAN1-related conditions. An algorithm developed to predict the effect of missense changes on protein structure and function (PolyPhen-2) suggests that this variant is likely to be disruptive. In summary, the available evidence is currently insufficient to determine the role of this variant in disease. Therefore, it has been classified as a Variant of Uncertain Significance.

ARUP Laboratories, Molecular Genetics and Genomics, ARUP Laboratories
Classification: Uncertain significance for Anemia, congenital dyserythropoietic, type 1a. Last evaluated: 2023-10-18. Review status: criteria provided, single submitter. Criteria: ARUP Molecular Germline Variant Investigation Process 2024. Collection method: clinical testing. Allele origin: germline.